The following is an entry in ClinVar:

NM_013275.6(ANKRD11):c.3520G>T (p.Glu1174Ter)

Gene: ANKRD11 (ankyrin repeat domain 11; minus strand). Cytogenetic location: 16q24.3.
Variant type: single nucleotide variant.
Coding change: c.3520G>T on transcript NM_013275.6 (MANE Select); coding-DNA position 3520, G replaced by T.
Protein change: p.Glu1174Ter; replaces glutamic acid 1174 with a stop codon.
Molecular consequence: nonsense.
Genome position (GRCh38, 1-based): chr16:89,283,022, C>A on the plus strand (G>T on the coding strand, the complement: ANKRD11 is on the minus strand). VCF-style: chr16-89283022-C-A. GRCh37 (hg19) VCF-style: chr16-89349430-C-A.
Other names: c.3520G>T, p.Glu1174Ter (NM_001256182.2, NM_001256183.2); short protein forms E1174*.
Identifiers: ClinVar variation 4687515 (VCV004687515.1).

ClinVar aggregate classification (germline): Pathogenic (1 of 4 stars; one submission).

Conditions:
KBG syndrome (KBGS). Also called: ANKRD11-Related KBG Syndrome. Identifiers: Orphanet 2332, MedGen C0220687, MONDO:0007846, OMIM 148050.

Submission:

Women's Health and Genetics/Laboratory Corporation of America, LabCorp
Classification: Pathogenic for KBG syndrome. Last evaluated: 2025-10-07. Review status: criteria provided, single submitter. Criteria: LabCorp Variant Classification Summary - May 2015. Collection method: clinical testing. Allele origin: germline.
Comment: Variant summary: ANKRD11 c.3520G>T (p.Glu1174X) results in a premature termination codon, predicted to cause absence of the protein due to nonsense mediated decay, which is a commonly known mechanism for disease. The variant was absent in 251232 control chromosomes (gnomAD). To our knowledge, no occurrence of c.3520G>T in individuals affected with ANKRD11-related conditions and no experimental evidence demonstrating its impact on protein function have been reported. No submitters have cited clinical-significance assessments for this variant to ClinVar. Based on the evidence outlined above, the variant was classified as pathogenic.